The following is an entry in ClinVar:

ClinVar aggregate classification (germline): Conflicting classifications of pathogenicity. Review status: criteria provided, conflicting classifications (1 of 4 stars). 2 submissions from 1 submitter: Uncertain significance (1); Benign (1). Last evaluated 2018-01-13.

Conditions:
Corneal dystrophy. Identifiers: Orphanet 34533, MedGen C0010036, MONDO:0018102, HP:0001131.
Bietti crystalline corneoretinal dystrophy (BCD). Also called: Bietti Crystalline Dystrophy; BIETTI TAPETORETINAL DEGENERATION WITH MARGINAL CORNEAL DYSTROPHY. Identifiers: Orphanet 41751, MedGen C1859486, MONDO:0008865, OMIM 210370.

Allele frequency attached by ClinVar (database versions not stated): gnomAD 0.00001 and 0.00100; TOPMed 0.00016; 1000 Genomes Project 30x 0.00656; 1000 Genomes Project 0.00699.

Submissions (2):

Illumina Laboratory Services, Illumina
Classification: Uncertain significance for Corneal dystrophy. Last evaluated: 2018-01-13. Review status: criteria provided, single submitter. Criteria: ICSL Variant Classification Criteria 13 December 2019. Collection method: clinical testing. Allele origin: germline.

Illumina Laboratory Services, Illumina
Classification: Benign for Bietti crystalline corneoretinal dystrophy. Last evaluated: 2018-01-13. Review status: criteria provided, single submitter. Criteria: ICSL Variant Classification Criteria 13 December 2019. Collection method: clinical testing. Allele origin: germline.
Comment: This variant was observed in the ICSL laboratory as part of a predisposition screen in an ostensibly healthy population. It had not been previously curated by ICSL or reported in the Human Gene Mutation Database (HGMD: prior to June 1st, 2018), and was therefore a candidate for classification through an automated scoring system. Utilizing variant allele frequency, disease prevalence and penetrance estimates, and inheritance mode, an automated score was calculated to assess if this variant is too frequent to cause the disease. Based on the score and internal cut-off values, a variant classified as benign is not then subjected to further curation. The score for this variant resulted in a classification of benign for this disease.

NM_207352.4(CYP4V2):c.*2166C>G

Genes: CYP4V2 (cytochrome P450 family 4 subfamily V member 2; plus strand), KLKB1 (kallikrein B1; plus strand). Cytogenetic location: 4q35.2.
Variant type: single nucleotide variant.
Coding change: c.*2166C>G on transcript NM_207352.4 (MANE Select); 2166 bases downstream of the stop codon, C replaced by G.
Molecular consequence: 3 prime UTR variant.
Genome position (GRCh38, 1-based): chr4:186,212,807, C>G. VCF-style: chr4-186212807-C-G. GRCh37 (hg19) VCF-style: chr4-187133961-C-G.
Identifiers: ClinVar variation 899863 (VCV000899863.4), dbSNP rs192436436, ClinGen allele CA112139115.
Genomic context (GRCh38, chr4:186,212,807, plus strand): 5'-GTTGCAAACCAAAGCCATTTGGCAAGCCCTGTAGCCTGGGCCATTTAAGACAGGGGCGGT[C>G]TCAGCCAAATTGCACCCATTTAACTATCCCAAAGAGCCACAGTGCCTACAACCCAGGCCC-3'